The following is an entry in ClinVar:

ClinVar aggregate classification (germline): Uncertain significance (1 of 4 stars; one submission).

gnomAD v4.1: 2 of 1,613,390 alleles (0.00012%); highest among the groups gnomAD compares: Non-Finnish European, 0.00017%; no homozygotes.

Submission:

GeneDx
Classification: Uncertain significance. Last evaluated: 2026-05-20. Review status: criteria provided, single submitter. Criteria: GeneDx Variant Classification Process June 2021. Collection method: clinical testing. Allele origin: germline.
Comment: Not observed at significant frequency in large population cohorts (gnomAD); In silico analysis supports a deleterious effect on splicing; Has not been previously published as pathogenic or benign to our knowledge

NM_017852.5(NLRP2):c.2201+5G>C

Gene: NLRP2 (NLR family pyrin domain containing 2; plus strand). Cytogenetic location: 19q13.42.
Variant type: single nucleotide variant.
Coding change: c.2201+5G>C on transcript NM_017852.5 (MANE Select); 5 bases into the intron after coding-DNA position 2201, G replaced by C.
Molecular consequence: intron variant.
Genome position (GRCh38, 1-based): chr19:54,985,222, G>C. VCF-style: chr19-54985222-G-C. GRCh37 (hg19) VCF-style: chr19-55496590-G-C.
Other names: c.2201+5G>C (NM_001174081.3); c.2192+5G>C (NM_001348003.2); c.2135+5G>C (NM_001174082.3); c.2132+5G>C (NM_001174083.2).
Identifiers: ClinVar variation 4056876 (VCV004056876.2).
Genomic context (GRCh38, chr19:54,985,222, plus strand): 5'-GTAAGGATCCTGTGTGAACAAATAGCCTCTGACACCTGTCATCTCCAGAGAGTGGTGTAA[G>C]TAGAAACTAATTCATGAACTCAAATCCTTAGGGTATGAAAATGGTACAATGTTAACATCG-3'